The following is an entry in ClinVar:

NC_000001.10:g.(?_215820844)_(215822128_?)del

Gene: USH2A (usherin; minus strand). Cytogenetic location: 1q41.
Variant type: Deletion.
Identifiers: ClinVar variation 3248074 (VCV003248074.1).

ClinVar aggregate classification (germline): Pathogenic (1 of 4 stars; one submission).

Submission:

Labcorp Genetics (formerly Invitae), Labcorp
Classification: Pathogenic. Last evaluated: 2023-06-09. Review status: criteria provided, single submitter. Criteria: Invitae Variant Classification Sherloc (09022015). Collection method: clinical testing. Allele origin: unknown.
Comment: For these reasons, this variant has been classified as Pathogenic. This variant has not been reported in the literature in individuals affected with USH2A-related conditions. This variant is a gross deletion of the genomic region encompassing exon(s) 66-67 of the USH2A gene. This deletion is out-of-frame, and is expected to create a premature termination codon and result in an absent or disrupted protein product. Loss-of-function variants in USH2A are known to be pathogenic (PMID: 10729113, 10909849, 20507924, 25649381).

Literature cited by the submitters: PubMed 10729113; PubMed 10909849; PubMed 20507924; PubMed 25649381.